The following is an entry in ClinVar:

NM_001130009.3(GEN1):c.461A>G (p.Asn154Ser)

Gene: GEN1 (GEN1 Holliday junction 5' flap endonuclease; plus strand). Cytogenetic location: 2p24.2.
Variant type: single nucleotide variant.
Coding change: c.461A>G on transcript NM_001130009.3 (MANE Select); coding-DNA position 461, A replaced by G.
Protein change: p.Asn154Ser; replaces asparagine 154 with serine.
Molecular consequence: missense variant.
Genome position (GRCh38, 1-based): chr2:17,765,009, A>G. VCF-style: chr2-17765009-A-G. GRCh37 (hg19) VCF-style: chr2-17946276-A-G.
Other names: c.461A>G, p.Asn154Ser (NM_182625.5); short protein forms N154S.
Identifiers: ClinVar variation 4029230 (VCV004029230.1).

ClinVar aggregate classification (germline): Uncertain significance (1 of 4 stars; one submission).

gnomAD v4.1: 11 of 1,614,176 alleles (0.00068%); highest among the groups gnomAD compares: East Asian, 0.0022%; no homozygotes.

Submission:

Ambry Genetics
Classification: Uncertain significance. Last evaluated: 2025-04-16. Review status: criteria provided, single submitter. Criteria: Ambry Variant Classification Scheme 2023. Collection method: clinical testing. Allele origin: germline.
Comment: The p.N154S variant (also known as c.461A>G), located in coding exon 3 of the GEN1 gene, results from an A to G substitution at nucleotide position 461. The asparagine at codon 154 is replaced by serine, an amino acid with highly similar properties. This amino acid position is conserved. In addition, this alteration is predicted to be tolerated by in silico analysis. Based on the available evidence, the clinical significance of this variant remains unclear.